The following is an entry in ClinVar:

ClinVar aggregate classification (germline): Benign/Likely benign. Review status: criteria provided, multiple submitters, no conflicts (2 of 4 stars). 5 submissions from 5 submitters: Benign (3); Likely benign (1). 1 of the submissions does not count toward it. Last evaluated 2025-12-30.

Conditions:
SEMA3A-related disorder. Also called: SEMA3A-related condition.
Hypogonadotropic hypogonadism 16 with or without anosmia (HH16). Also called: HYPOGONADOTROPIC HYPOGONADISM 16 WITH ANOSMIA, SUSCEPTIBILITY TO. Identifiers: Orphanet 478, MedGen C3554021, MONDO:0013961, OMIM 614897.

Allele frequency attached by ClinVar (database versions not stated): gnomAD 0.00662 and 0.00671; gnomAD exomes 0.00139 and 0.00341; ExAC 0.00373; ESP Exome Variant Server 0.00654; 1000 Genomes Project 0.01058; TOPMed 0.00796; 1000 Genomes Project 30x 0.01077.
gnomAD v4.1: 2,992 of 1,557,586 alleles (0.19%); highest among the groups gnomAD compares: East Asian, 2.3%; 46 homozygotes.

Submissions (5):

Labcorp Genetics (formerly Invitae), Labcorp
Classification: Benign. Last evaluated: 2025-12-30. Review status: criteria provided, single submitter. Criteria: Invitae Variant Classification Sherloc (09022015). Collection method: clinical testing. Allele origin: germline.

Fulgent Genetics
Classification: Likely benign for Hypogonadotropic hypogonadism 16 with or without anosmia. Last evaluated: 2021-12-17. Review status: criteria provided, single submitter. Criteria: ACMG Guidelines, 2015. Collection method: clinical testing. Allele origin: unknown.

GeneDx
Classification: Benign. Last evaluated: 2021-03-02. Review status: criteria provided, single submitter. Criteria: GeneDx Variant Classification Process June 2021. Collection method: clinical testing. Allele origin: germline. Affected: yes.
Comment: This variant is associated with the following publications: (PMID: 23593010)

Breakthrough Genomics
Classification: Benign. Review status: criteria provided, single submitter. Criteria: ACMG Guidelines, 2015. Collection method: not provided. Allele origin: germline. Inheritance: Autosomal dominant inheritance. Affected: yes.

PreventionGenetics, part of Exact Sciences
Classification: Benign for SEMA3A-related condition. Last evaluated: 2022-10-14. Review status: no assertion criteria provided. Collection method: clinical testing. Allele origin: germline. Not counted in ClinVar's aggregate classification.
Comment: This variant is classified as benign based on ACMG/AMP sequence variant interpretation guidelines (Richards et al. 2015 PMID: 25741868, with internal and published modifications).

NM_006080.3(SEMA3A):c.1000A>G (p.Ile334Val)

Gene: SEMA3A (semaphorin 3A; minus strand). Cytogenetic location: 7q21.11.
Variant type: single nucleotide variant.
Coding change: c.1000A>G on transcript NM_006080.3 (MANE Select); coding-DNA position 1000, A replaced by G.
Protein change: p.Ile334Val; replaces isoleucine 334 with valine.
Molecular consequence: missense variant.
Genome position (GRCh38, 1-based): chr7:84,007,493, T>C on the plus strand (A>G on the coding strand, the complement: SEMA3A is on the minus strand). VCF-style: chr7-84007493-T-C. GRCh37 (hg19) VCF-style: chr7-83636809-T-C.
Other names: short protein forms I334V.
Identifiers: ClinVar variation 768175 (VCV000768175.16), dbSNP rs138694505, ClinGen allele CA4322859.
Genomic context (GRCh38, chr7:84,007,493, plus strand): 5'-CAAGGAACACCCTTCTCACATCACTCATGCTATACATACACACGGCTGATCCCTTGAAAA[T>C]GTTACTGAACAAGACAGCAAGAATAAAAACAGAAGTTCATCTTTATACAATGGTAAGAGA-3'
Protein context (NP_006071.1, residues 324-344): VYGVFTTSSN[Ile334Val]FKGSAVCMYS